The following is an entry in ClinVar:

NM_021224.6(ZNF462):c.2977C>A (p.Pro993Thr)

Gene: ZNF462 (zinc finger protein 462; plus strand). Cytogenetic location: 9q31.2.
Variant type: single nucleotide variant.
Coding change: c.2977C>A on transcript NM_021224.6 (MANE Select); coding-DNA position 2977, C replaced by A.
Protein change: p.Pro993Thr; replaces proline 993 with threonine.
Molecular consequence: missense variant.
Genome position (GRCh38, 1-based): chr9:106,926,889, C>A. VCF-style: chr9-106926889-C-A. GRCh37 (hg19) VCF-style: chr9-109689170-C-A.
Other names: c.2977C>A, p.Pro993Thr (NM_001347997.2); short protein forms P993T.
Identifiers: ClinVar variation 1706154 (VCV001706154.2), dbSNP rs1377470868, ClinGen allele CA374397881.

ClinVar aggregate classification (germline): Uncertain significance (1 of 4 stars; one submission).

Submission:

GeneDx
Classification: Uncertain significance. Last evaluated: 2022-03-16. Review status: criteria provided, single submitter. Criteria: GeneDx Variant Classification Process June 2021. Collection method: clinical testing. Allele origin: germline. Affected: yes.
Comment: Not observed at significant frequency in large population cohorts (gnomAD); In silico analysis supports that this missense variant does not alter protein structure/function; Has not been previously published as pathogenic or benign to our knowledge